The following is an entry in ClinVar:

ClinVar aggregate classification (germline): Uncertain significance (1 of 4 stars; one submission).

Conditions:
Inborn genetic diseases. Identifiers: MedGen C0950123, MeSH D030342.

Allele frequency attached by ClinVar (database versions not stated): gnomAD exomes 0.00002.
gnomAD v4.1: 23 of 1,597,844 alleles (0.0014%); highest among the groups gnomAD compares: Non-Finnish European, 0.0019%; no homozygotes.

Submission:

Ambry Genetics
Classification: Uncertain significance for Inborn genetic diseases. Last evaluated: 2021-03-25. Review status: criteria provided, single submitter. Criteria: Ambry Variant Classification Scheme 2023. Collection method: clinical testing. Allele origin: germline.
Comment: The c.628-6C>G intronic alteration consists of a C to G substitution 6 nucleotides before exon 4 (coding exon 4) of the NBEA gene. In silico splice site analysis predicts that this alteration will not have any significant effect on splicing. Based on insufficient or conflicting evidence, the clinical significance of this alteration remains unclear.

NM_001385012.1(NBEA):c.628-6C>G

Gene: NBEA (neurobeachin; plus strand). Cytogenetic location: 13q13.3.
Variant type: single nucleotide variant.
Coding change: c.628-6C>G on transcript NM_001385012.1 (MANE Select); 6 bases into the intron before coding-DNA position 628, C replaced by G.
Molecular consequence: intron variant.
Genome position (GRCh38, 1-based): chr13:35,045,300, C>G. VCF-style: chr13-35045300-C-G. GRCh37 (hg19) VCF-style: chr13-35619437-C-G.
Other names: c.628-6C>G (NM_015678.5, NM_001379245.1).
Identifiers: ClinVar variation 2229325 (VCV002229325.2), dbSNP rs769963205, ClinGen allele CA6946114.